The following is an entry in ClinVar:

ClinVar aggregate classification (germline): Uncertain significance (1 of 4 stars; one submission).

Conditions:
Left ventricular noncompaction 1 (LVNC1). Also called: LEFT VENTRICULAR NONCOMPACTION 1 WITH OR WITHOUT CONGENITAL HEART DEFECTS. Identifiers: Orphanet 54260, MedGen C1858725, MONDO:0011403, OMIM 604169.

Allele frequency attached by ClinVar (database versions not stated): gnomAD 0.00001; TOPMed 0.00003; ExAC 0.00004.
gnomAD v4.1: 38 of 1,613,986 alleles (0.0024%); highest among the groups gnomAD compares: East Asian, 0.042%; no homozygotes.

Submission:

Labcorp Genetics (formerly Invitae), Labcorp
Classification: Uncertain significance for Left ventricular noncompaction 1. Last evaluated: 2024-01-17. Review status: criteria provided, single submitter. Criteria: Invitae Variant Classification Sherloc (09022015). Collection method: clinical testing. Allele origin: germline.
Comment: This sequence change replaces tyrosine, which is neutral and polar, with cysteine, which is neutral and slightly polar, at codon 702 of the DTNA protein (p.Tyr702Cys). This variant is present in population databases (rs756932426, gnomAD 0.03%). This variant has not been reported in the literature in individuals affected with DTNA-related conditions. ClinVar contains an entry for this variant (Variation ID: 1385297). An algorithm developed to predict the effect of missense changes on protein structure and function (PolyPhen-2) suggests that this variant is likely to be tolerated. In summary, the available evidence is currently insufficient to determine the role of this variant in disease. Therefore, it has been classified as a Variant of Uncertain Significance.

NM_001386795.1(DTNA):c.2186A>G (p.Tyr729Cys)

Gene: DTNA (dystrobrevin alpha; plus strand). Cytogenetic location: 18q12.1.
Variant type: single nucleotide variant.
Coding change: c.2186A>G on transcript NM_001386795.1 (MANE Select); coding-DNA position 2186, A replaced by G.
Protein change: p.Tyr729Cys; replaces tyrosine 729 with cysteine.
Molecular consequence: missense variant.
Genome position (GRCh38, 1-based): chr18:34,882,092, A>G. VCF-style: chr18-34882092-A-G. GRCh37 (hg19) VCF-style: chr18-32462056-A-G.
Other names: c.1925A>G, p.Tyr642Cys (NM_001198938.2, NM_001198940.2, NM_001386753.1 and 5 more transcripts); c.1946A>G, p.Tyr649Cys (NM_001198939.2); c.1232A>G, p.Tyr411Cys (NM_001198942.1); c.1175A>G, p.Tyr392Cys (NM_001198943.1); c.1061A>G, p.Tyr354Cys (NM_001198944.1); c.2015A>G, p.Tyr672Cys (NM_001386754.1, NM_001386755.1, NM_001386756.1 and 3 more transcripts); c.2012A>G, p.Tyr671Cys (NM_001386760.1); c.1934A>G, p.Tyr645Cys (NM_001386761.1, NM_032975.4); and 5 more; short protein forms Y411C, Y649C, Y645C, Y671C, Y350C, Y641C, Y642C, Y702C.
Identifiers: ClinVar variation 1385297 (VCV001385297.8), dbSNP rs756932426, ClinGen allele CA8935964.